The following is an entry in ClinVar:

ClinVar aggregate classification (germline): Uncertain significance. Review status: criteria provided, multiple submitters, no conflicts (2 of 4 stars). 2 submissions from 2 submitters: Uncertain significance (2). Last evaluated 2024-07-09.

Conditions:
Inborn genetic diseases. Identifiers: MedGen C0950123, MeSH D030342.

Allele frequency attached by ClinVar (database versions not stated): ExAC 0.00002; TOPMed 0.00005; gnomAD 0.00006; gnomAD exomes 0.00007; ESP Exome Variant Server 0.00008.
gnomAD v4.1: 106 of 1,593,766 alleles (0.0067%); highest among the groups gnomAD compares: Non-Finnish European, 0.0088%; no homozygotes.

Submissions (2):

Ambry Genetics
Classification: Uncertain significance for Inborn genetic diseases. Last evaluated: 2024-07-09. Review status: criteria provided, single submitter. Criteria: Ambry Variant Classification Scheme 2023. Collection method: clinical testing. Allele origin: germline.

Labcorp Genetics (formerly Invitae), Labcorp
Classification: Uncertain significance. Last evaluated: 2024-02-17. Review status: criteria provided, single submitter. Criteria: Invitae Variant Classification Sherloc (09022015). Collection method: clinical testing. Allele origin: germline.
Comment: This sequence change replaces proline, which is neutral and non-polar, with threonine, which is neutral and polar, at codon 2074 of the LAMA5 protein (p.Pro2074Thr). The frequency data for this variant in the population databases is considered unreliable, as metrics indicate poor data quality at this position in the gnomAD database. This variant has not been reported in the literature in individuals affected with LAMA5-related conditions. ClinVar contains an entry for this variant (Variation ID: 1899418). Advanced modeling of protein sequence and biophysical properties (such as structural, functional, and spatial information, amino acid conservation, physicochemical variation, residue mobility, and thermodynamic stability) performed at Invitae indicates that this missense variant is not expected to disrupt LAMA5 protein function with a negative predictive value of 80%. In summary, the available evidence is currently insufficient to determine the role of this variant in disease. Therefore, it has been classified as a Variant of Uncertain Significance.

NM_005560.6(LAMA5):c.6220C>A (p.Pro2074Thr)

Gene: LAMA5 (laminin subunit alpha 5; minus strand). Cytogenetic location: 20q13.33.
Variant type: single nucleotide variant.
Coding change: c.6220C>A on transcript NM_005560.6 (MANE Select); coding-DNA position 6220, C replaced by A.
Protein change: p.Pro2074Thr; replaces proline 2074 with threonine.
Molecular consequence: missense variant.
Genome position (GRCh38, 1-based): chr20:62,322,395, G>T on the plus strand (C>A on the coding strand, the complement: LAMA5 is on the minus strand). VCF-style: chr20-62322395-G-T. GRCh37 (hg19) VCF-style: chr20-60897451-G-T.
Other names: c.6220C>A (NM_005560.3); short protein forms P2074T.
Identifiers: ClinVar variation 1899418 (VCV001899418.6), dbSNP rs371136073, ClinGen allele CA9941844.